The following is an entry in ClinVar:

NM_001429.4(EP300):c.1898T>C (p.Leu633Pro)

Gene: EP300 (EP300 lysine acetyltransferase; plus strand). Cytogenetic location: 22q13.2.
Variant type: single nucleotide variant.
Coding change: c.1898T>C on transcript NM_001429.4 (MANE Select); coding-DNA position 1898, T replaced by C.
Protein change: p.Leu633Pro; replaces leucine 633 with proline.
Molecular consequence: missense variant.
Genome position (GRCh38, 1-based): chr22:41,141,067, T>C. VCF-style: chr22-41141067-T-C. GRCh37 (hg19) VCF-style: chr22-41537071-T-C.
Other names: c.1898T>C, p.Leu633Pro (NM_001362843.2); short protein forms L633P.
Identifiers: ClinVar variation 4082423 (VCV004082423.2).

ClinVar aggregate classification (germline): Likely pathogenic (1 of 4 stars; one submission).

Submission:

Genetic Services Laboratory, University of Chicago
Classification: Likely pathogenic. Last evaluated: 2023-05-02. Review status: criteria provided, single submitter. Criteria: ACMG Guidelines, 2015. Collection method: clinical testing. Allele origin: germline. Affected: yes.
Comment: DNA sequence analysis of the EP300 gene demonstrated a sequence change, c.1898T>C, in exon 10 that results in an amino acid change, p.Leu633Pro. This sequence change does not appear to have been previously described in individuals with EP300-related disorders and has also not been described in population databases such as ExAC and gnomAD. The p.Leu633Pro change affects a highly conserved amino acid residue located in a domain of the EP300 protein that is known to be functional. The p.Leu633Pro substitution appears to be deleterious using several in-silico pathogenicity prediction tools (SIFT, PolyPhen2, Align GVGD, REVEL). These collective evidences indicate that this sequence change is likely pathogenic; however functional studies have not been performed to prove this conclusively.